The following is an entry in ClinVar:

NM_017946.4(FKBP14):c.340G>A (p.Glu114Lys)

Genes: FKBP14 (FKBP prolyl isomerase 14; minus strand), FKBP14-AS1 (FKBP14 antisense RNA 1; plus strand). Cytogenetic location: 7p14.3.
Variant type: single nucleotide variant.
Coding change: c.340G>A on transcript NM_017946.4 (MANE Select); coding-DNA position 340, G replaced by A.
Protein change: p.Glu114Lys; replaces glutamic acid 114 with lysine.
Molecular consequence: missense variant. On other transcripts: non-coding transcript variant (1).
Genome position (GRCh38, 1-based): chr7:30,022,674, C>T on the plus strand (G>A on the coding strand, the complement: FKBP14 is on the minus strand). VCF-style: chr7-30022674-C-T. GRCh37 (hg19) VCF-style: chr7-30062290-C-T.
Other names: short protein forms E114K.
Identifiers: ClinVar variation 1030616 (VCV001030616.1), dbSNP rs1192635116, ClinGen allele CA367117279.
Genomic context (GRCh38, chr7:30,022,674, plus strand): 5'-CCAGAGAACAACTCTAGTGCTATAGTAAGAAAAATACAGAAATACTATTACCTTTTCCTT[C>T]TTTTCCATAGCCCAGAGCAGGAGGAATGATGAGCTTTCTCTTCTCTCCTACACACATTCC-3'
Protein context (NP_060416.1, residues 104-124): IIPPALGYGK[Glu114Lys]GKGKIPPEST

ClinVar aggregate classification (germline): Uncertain significance (1 of 4 stars; one submission).

Conditions:
Ehlers-Danlos syndrome, kyphoscoliotic type, 2. Also called: Ehlers-Danlos syndrome with progressive kyphoscoliosis, myopathy, and hearing loss; Ehlers-Danlos syndrome, kyphoscoliotic and deafness type; FKBP14-Kyphoscoliotic Ehlers-Danlos Syndrome. Identifiers: Orphanet 300179, MedGen C3281160, MONDO:0013800, OMIM 614557.

Allele frequency attached by ClinVar (database versions not stated): TOPMed below 0.00001; gnomAD 0.00001.
gnomAD v4.1: 1 of 1,610,926 alleles (0.000062%); highest among the groups gnomAD compares: Non-Finnish European, 0.000085%; no homozygotes.

Submission:

Baylor Genetics
Classification: Uncertain significance for Ehlers-Danlos syndrome, kyphoscoliotic type, 2. Last evaluated: 2020-06-03. Review status: criteria provided, single submitter. Criteria: ACMG Guidelines, 2015. Collection method: clinical testing. Allele origin: unknown. Affected: yes.
Comment: This variant was determined to be of uncertain significance according to ACMG Guidelines, 2015 [PMID:25741868].